The following is an entry in ClinVar:

NM_000444.6(PHEX):c.961G>T (p.Val321Phe)

Gene: PHEX (phosphate regulating endopeptidase X-linked; plus strand). Cytogenetic location: Xp22.11.
Variant type: single nucleotide variant.
Coding change: c.961G>T on transcript NM_000444.6 (MANE Select); coding-DNA position 961, G replaced by T.
Protein change: p.Val321Phe; replaces valine 321 with phenylalanine.
Molecular consequence: missense variant.
Genome position (GRCh38, 1-based): chrX:22,099,033, G>T. VCF-style: chrX-22099033-G-T. GRCh37 (hg19) VCF-style: chrX-22117151-G-T.
Other names: c.961G>T, p.Val321Phe (NM_001282754.2); short protein forms V321F.
Identifiers: ClinVar variation 432692 (VCV000432692.3), dbSNP rs1556025976, ClinGen allele CA412572795.

ClinVar aggregate classification (germline): Uncertain significance. Review status: criteria provided, multiple submitters, no conflicts (2 of 4 stars). 2 submissions from 2 submitters: Uncertain significance (2). Last evaluated 2019-05-28.

Conditions:
Familial X-linked hypophosphatemic vitamin D refractory rickets (XLHRD). Also called: X-Linked Hypophosphatemia; Hypophosphatemic Rickets, X-Linked Dominant; HYPOPHOSPHATEMIC VITAMIN D-RESISTANT RICKETS; Hypophosphatemia, vitamin D-resistant rickets; Vitamin D-resistant rickets, X-linked. Identifiers: Orphanet 89936, MedGen C0733682, MONDO:0010619, OMIM 307800.

Submissions (2):

Mendelics
Classification: Uncertain significance for Familial X-linked hypophosphatemic vitamin D refractory rickets. Last evaluated: 2019-05-28. Review status: criteria provided, single submitter. Criteria: Mendelics Assertion Criteria 2017. Collection method: clinical testing. Allele origin: unknown.

GeneDx
Classification: Uncertain significance. Last evaluated: 2018-01-23. Review status: criteria provided, single submitter. Criteria: GeneDx Variant Classification (06012015). Collection method: clinical testing. Allele origin: germline. Affected: yes.
Comment: The V321F variant has not been published as a pathogenic variant, nor has it been reported as a benign variant to our knowledge. The variant is not observed in large population cohorts (Lek et al., 2016; 1000 Genomes Consortium et al., 2015; Exome Variant Server). V321F is a semi-conservative amino acid substitution, which may impact secondary protein structure as these residues differ in some properties. This substitution occurs at a position that is conserved across species; however, in silico analysis is inconsistent in its predictions as to whether or not the variant is damaging to the protein structure/function. In summary, based on the currently available information, it is unclear whether this variant is a pathogenic variant or a rare benign variant.